The following is an entry in ClinVar:

ClinVar aggregate classification (germline): Likely benign. Review status: reviewed by expert panel (3 of 4 stars). 10 submissions from 10 submitters: Likely benign (1). 9 of the submissions do not count toward it. Last evaluated 2017-06-29.

Conditions:
BRCA2-related disorder. Also called: BRCA2-related disorders; BRCA2-related condition. Identifiers: MedGen CN239275.
Hereditary cancer-predisposing syndrome. Also called: Tumor predisposition; Neoplastic Syndromes, Hereditary; Hereditary neoplastic syndrome; Hereditary Cancer Syndrome. Identifiers: Orphanet 140162, MedGen C0027672, MeSH D009386, MONDO:0015356.
Hereditary breast ovarian cancer syndrome. Also called: Hereditary breast and ovarian cancer; BRCA1- and BRCA2-Associated Hereditary Breast and Ovarian Cancer; Breast and ovarian cancer; Hereditary breast and/or ovarian cancer syndrome; Hereditary breast and ovarian cancer syndrome; Hereditary breast and ovarian cancer syndrome (HBOC). Identifiers: Orphanet 145, MedGen C0677776, MeSH D061325, MONDO:0003582. Disease mechanism: loss of function.
Breast-ovarian cancer, familial, susceptibility to, 2 (BROVCA2). Also called: BRCA2 Hereditary Breast and Ovarian Cancer. Identifiers: Orphanet 145, MedGen C2675520, MONDO:0012933, OMIM 612555. Disease mechanism: loss of function.

Allele frequency attached by ClinVar (database versions not stated): gnomAD exomes below 0.00001; ExAC 0.00001; gnomAD 0.00001 and 0.00002; TOPMed 0.00006.
gnomAD v4.1: 10 of 1,614,000 alleles (0.00062%); highest among the groups gnomAD compares: South Asian, 0.0022%; no homozygotes.

Submissions (10):

Evidence-based Network for the Interpretation of Germline Mutant Alleles (ENIGMA)
Classification: Likely benign for Breast-ovarian cancer, familial, susceptibility to, 2. Last evaluated: 2017-06-29. Review status: reviewed by expert panel. Criteria: ENIGMA BRCA1/2 Classification Criteria (2017-06-29). Collection method: curation. Allele origin: germline.
Comment: Synonymous substitution variant, with low bioinformatic likelihood to result in a splicing aberration (Splicing prior probability 0.02).

Labcorp Genetics (formerly Invitae), Labcorp
Classification: Likely benign for Hereditary breast ovarian cancer syndrome. Last evaluated: 2025-09-01. Review status: criteria provided, single submitter. Criteria: Invitae Variant Classification Sherloc (09022015). Collection method: clinical testing. Allele origin: germline. Not counted in ClinVar's aggregate classification.

All of Us Research Program, National Institutes of Health
Classification: Likely benign for Breast-ovarian cancer, familial, susceptibility to, 2. Last evaluated: 2023-12-01. Review status: criteria provided, single submitter. Criteria: ACMG Guidelines, 2015. Collection method: clinical testing. Allele origin: germline. Inheritance: Autosomal dominant inheritance. Observed: 4 variant alleles, 4 heterozygotes. Not counted in ClinVar's aggregate classification.
Comment: This study involves interpretation of variants in research participants for the purpose of population health screening. Participant phenotype was not available at the time of variant classification. Additional details can be found in publication PMID: 35346344, PMCID: PMC8962531

Women's Health and Genetics/Laboratory Corporation of America, LabCorp
Classification: Likely benign. Last evaluated: 2023-08-08. Review status: criteria provided, single submitter. Criteria: LabCorp Variant Classification Summary - May 2015. Collection method: clinical testing. Allele origin: germline. Not counted in ClinVar's aggregate classification.

Blueprint Genetics
Classification: Likely benign. Last evaluated: 2022-11-15. Review status: criteria provided, single submitter. Criteria: ACMG Guidelines, 2015. Collection method: clinical testing. Allele origin: germline. Not counted in ClinVar's aggregate classification.

Quest Diagnostics Nichols Institute San Juan Capistrano
Classification: Likely benign. Last evaluated: 2018-03-16. Review status: criteria provided, single submitter. Criteria: Quest Diagnostics criteria. Collection method: clinical testing. Allele origin: germline. Not counted in ClinVar's aggregate classification.

GeneDx
Classification: Likely benign. Last evaluated: 2018-01-25. Review status: criteria provided, single submitter. Criteria: GeneDx Variant Classification (06012015). Collection method: clinical testing. Allele origin: germline. Affected: yes. Not counted in ClinVar's aggregate classification.
Comment: This variant is considered likely benign or benign based on one or more of the following criteria: it is a conservative change, it occurs at a poorly conserved position in the protein, it is predicted to be benign by multiple in silico algorithms, and/or has population frequency not consistent with disease.

Color Diagnostics, LLC DBA Color Health
Classification: Likely benign for Hereditary cancer-predisposing syndrome. Last evaluated: 2017-10-02. Review status: criteria provided, single submitter. Criteria: ACMG Guidelines, 2015. Collection method: clinical testing. Allele origin: germline. Not counted in ClinVar's aggregate classification.

Ambry Genetics
Classification: Likely benign for Hereditary cancer-predisposing syndrome. Last evaluated: 2015-01-23. Review status: criteria provided, single submitter. Criteria: Ambry Variant Classification Scheme 2023. Collection method: clinical testing. Allele origin: germline. Not counted in ClinVar's aggregate classification.

PreventionGenetics, part of Exact Sciences
Classification: Likely benign for BRCA2-related condition. Last evaluated: 2023-12-20. Review status: no assertion criteria provided. Collection method: clinical testing. Allele origin: germline. Not counted in ClinVar's aggregate classification.
Comment: This variant is classified as likely benign based on ACMG/AMP sequence variant interpretation guidelines (Richards et al. 2015 PMID: 25741868, with internal and published modifications).

NM_000059.4(BRCA2):c.2226A>G (p.Gln742=)

Gene: BRCA2 (BRCA2 DNA repair associated; plus strand). Cytogenetic location: 13q13.1.
Variant type: single nucleotide variant.
Coding change: c.2226A>G on transcript NM_000059.4 (MANE Select); coding-DNA position 2226, A replaced by G.
Protein change: p.Gln742=; no amino-acid change (glutamine 742 retained).
Molecular consequence: synonymous variant.
Genome position (GRCh38, 1-based): chr13:32,336,581, A>G. VCF-style: chr13-32336581-A-G. GRCh37 (hg19) VCF-style: chr13-32910718-A-G.
Identifiers: ClinVar variation 184184 (VCV000184184.26), dbSNP rs748757085, ClinGen allele CA014680.